The following is an entry in ClinVar:

ClinVar aggregate classification (germline): Uncertain significance (1 of 4 stars; one submission).

Conditions:
Cystinuria (CSNU). Also called: Cystinuria, non-type I; CYSTINURIA, TYPE I; CYSTINURIA, TYPE II; CYSTINURIA, TYPE III. Identifiers: Orphanet 214, MedGen C0010691, MONDO:0009067, OMIM 220100, HP:0003131.

Allele frequency attached by ClinVar (database versions not stated): gnomAD exomes below 0.00001; TOPMed below 0.00001; ExAC 0.00001; gnomAD 0.00001.
gnomAD v4.1: 4 of 1,613,950 alleles (0.00025%); highest among the groups gnomAD compares: Admixed American, 0.0033%; no homozygotes.

Submission:

Labcorp Genetics (formerly Invitae), Labcorp
Classification: Uncertain significance for Cystinuria. Last evaluated: 2022-05-05. Review status: criteria provided, single submitter. Criteria: Invitae Variant Classification Sherloc (09022015). Collection method: clinical testing. Allele origin: germline.
Comment: In summary, the available evidence is currently insufficient to determine the role of this variant in disease. Therefore, it has been classified as a Variant of Uncertain Significance. This sequence change replaces threonine, which is neutral and polar, with alanine, which is neutral and non-polar, at codon 652 of the SLC3A1 protein (p.Thr652Ala). This variant is present in population databases (rs751203733, gnomAD 0.009%). This variant has not been reported in the literature in individuals affected with SLC3A1-related conditions. Algorithms developed to predict the effect of missense changes on protein structure and function (SIFT, PolyPhen-2, Align-GVGD) all suggest that this variant is likely to be tolerated.

NM_000341.4(SLC3A1):c.1954A>G (p.Thr652Ala)

Genes: SLC3A1 (solute carrier family 3 member 1; plus strand), PREPL (prolyl endopeptidase like; minus strand). Cytogenetic location: 2p21.
Variant type: single nucleotide variant.
Coding change: c.1954A>G on transcript NM_000341.4 (MANE Select); coding-DNA position 1954, A replaced by G.
Protein change: p.Thr652Ala; replaces threonine 652 with alanine.
Molecular consequence: missense variant. On other transcripts: 3 prime UTR variant (10).
Genome position (GRCh38, 1-based): chr2:44,320,535, A>G. VCF-style: chr2-44320535-A-G. GRCh37 (hg19) VCF-style: chr2-44547674-A-G.
Other names: c.*821T>C (NM_001042385.2, NM_001042386.2, NM_001171603.1 and 7 more transcripts); short protein forms T652A.
Identifiers: ClinVar variation 1923060 (VCV001923060.3), dbSNP rs751203733, ClinGen allele CA1640799.